The following is an entry in ClinVar:

NM_004725.4(BUB3):c.605G>A (p.Arg202Gln)

Gene: BUB3 (BUB3 mitotic checkpoint protein; plus strand). Cytogenetic location: 10q26.13.
Variant type: single nucleotide variant.
Coding change: c.605G>A on transcript NM_004725.4 (MANE Select); coding-DNA position 605, G replaced by A.
Protein change: p.Arg202Gln; replaces arginine 202 with glutamine.
Molecular consequence: missense variant.
Genome position (GRCh38, 1-based): chr10:123,162,264, G>A. VCF-style: chr10-123162264-G-A. GRCh37 (hg19) VCF-style: chr10-124921780-G-A.
Other names: c.605G>A, p.Arg202Gln (NM_001007793.3); short protein forms R202Q.
Identifiers: ClinVar variation 1751321 (VCV001751321.3), dbSNP rs1441203932, ClinGen allele CA378626477.

ClinVar aggregate classification (germline): Uncertain significance (1 of 4 stars; one submission).

Allele frequency attached by ClinVar (database versions not stated): TOPMed below 0.00001.

Submission:

Ambry Genetics
Classification: Uncertain significance. Last evaluated: 2023-08-30. Review status: criteria provided, single submitter. Criteria: Ambry Variant Classification Scheme 2023. Collection method: clinical testing. Allele origin: germline.
Comment: The p.R202Q variant (also known as c.605G>A), located in coding exon 5 of the BUB3 gene, results from a G to A substitution at nucleotide position 605. The arginine at codon 202 is replaced by glutamine, an amino acid with highly similar properties. This amino acid position is conserved. In addition, this alteration is predicted to be deleterious by in silico analysis. Since supporting evidence is limited at this time, the clinical significance of this alteration remains unclear.